The following is an entry in ClinVar:

ClinVar aggregate classification (germline): Uncertain significance (1 of 4 stars; one submission).

Submission:

Labcorp Genetics (formerly Invitae), Labcorp
Classification: Uncertain significance. Last evaluated: 2019-12-17. Review status: criteria provided, single submitter. Criteria: Invitae Variant Classification Sherloc (09022015). Collection method: clinical testing. Allele origin: germline.
Comment: In summary, the available evidence is currently insufficient to determine the role of this variant in disease. Therefore, it has been classified as a Variant of Uncertain Significance. This variant has not been reported in the literature in individuals with TTLL5-related conditions. This variant is an in-frame deletion of the genomic region encompassing exon(s) 25-31 of the TTLL5 gene. It preserves the integrity of the reading frame.

NC_000014.9:g.(?_75782487)_(75902224_?)del

Gene: TTLL5 (tubulin tyrosine ligase like 5; plus strand). Cytogenetic location: 14q24.3.
Variant type: Deletion.
Identifiers: ClinVar variation 832507 (VCV000832507.5).